The following is an entry in ClinVar:

NC_000017.10:g.(?_75316409)_(75316450_?)dup

Gene: SEPTIN9 (septin 9; plus strand). Cytogenetic location: 17q25.3.
Variant type: Duplication.
Identifiers: ClinVar variation 3243181 (VCV003243181.1).

ClinVar aggregate classification (germline): Uncertain significance (1 of 4 stars; one submission).

Submission:

Labcorp Genetics (formerly Invitae), Labcorp
Classification: Uncertain significance. Last evaluated: 2023-10-27. Review status: criteria provided, single submitter. Criteria: Invitae Variant Classification Sherloc (09022015). Collection method: clinical testing. Allele origin: unknown.
Comment: This variant results in a copy number gain of the genomic region encompassing exon(s) 1 of the SEPT9 gene. This region includes the initiator codon of the gene. This copy number gain extends beyond the assayed region for this gene and therefore may encompass additional genes. As the precise location of this event is unknown, it may be in tandem or it may be located elsewhere in the genome. This variant has not been reported in the literature in individuals affected with SEPT9-related conditions. Experimental studies and prediction algorithms are not available or were not evaluated, and the functional significance of this variant is currently unknown. In summary, the available evidence is currently insufficient to determine the role of this variant in disease. Therefore, it has been classified as a Variant of Uncertain Significance.